The following is an entry in ClinVar:

NM_013266.4(CTNNA3):c.302T>C (p.Leu101Pro)

Gene: CTNNA3 (catenin alpha 3; minus strand). Cytogenetic location: 10q21.3.
Variant type: single nucleotide variant.
Coding change: c.302T>C on transcript NM_013266.4 (MANE Select); coding-DNA position 302, T replaced by C.
Protein change: p.Leu101Pro; replaces leucine 101 with proline.
Molecular consequence: missense variant.
Genome position (GRCh38, 1-based): chr10:67,539,660, A>G on the plus strand (T>C on the coding strand, the complement: CTNNA3 is on the minus strand). VCF-style: chr10-67539660-A-G. GRCh37 (hg19) VCF-style: chr10-69299418-A-G.
Other names: c.302T>C, p.Leu101Pro (NM_001127384.3); c.338T>C, p.Leu113Pro (NM_001291133.2); short protein forms L113P, L101P.
Identifiers: ClinVar variation 1799027 (VCV001799027.2), dbSNP rs2492483871, ClinGen allele CA377098034.

ClinVar aggregate classification (germline): Uncertain significance (1 of 4 stars; one submission).

Submission:

Ambry Genetics
Classification: Uncertain significance. Last evaluated: 2022-01-05. Review status: criteria provided, single submitter. Criteria: Ambry Variant Classification Scheme 2023. Collection method: clinical testing. Allele origin: germline.
Comment: The p.L101P variant (also known as c.302T>C), located in coding exon 3 of the CTNNA3 gene, results from a T to C substitution at nucleotide position 302. The leucine at codon 101 is replaced by proline, an amino acid with similar properties. This amino acid position is conserved. In addition, this alteration is predicted to be deleterious by in silico analysis. Since supporting evidence is limited at this time, the clinical significance of this alteration remains unclear.